The following is an entry in ClinVar:

NM_024642.5(GALNT12):c.1607A>G (p.Asp536Gly)

Gene: GALNT12 (polypeptide N-acetylgalactosaminyltransferase 12; plus strand). Cytogenetic location: 9q22.33.
Variant type: single nucleotide variant.
Coding change: c.1607A>G on transcript NM_024642.5 (MANE Select); coding-DNA position 1607, A replaced by G.
Protein change: p.Asp536Gly; replaces aspartic acid 536 with glycine.
Molecular consequence: missense variant.
Genome position (GRCh38, 1-based): chr9:98,848,953, A>G. VCF-style: chr9-98848953-A-G. GRCh37 (hg19) VCF-style: chr9-101611235-A-G.
Other names: short protein forms D536G.
Identifiers: ClinVar variation 1776308 (VCV001776308.2), dbSNP rs749758074, ClinGen allele CA374222646.
Genomic context (GRCh38, chr9:98,848,953, plus strand): 5'-GTCTTTAGGAAAAAGAGACTTTTCTGATGACTTGCCTGTCATTCTGTTATCTTTTGTAGG[A>G]TGGATCTTTATTTCACGAACAGTCCAAGAAATGTGTCCAGGCTGCGAGGAAGGAGTCGAG-3'
Protein context (NP_078918.3, residues 526-546): PENQKFILQE[Asp536Gly]GSLFHEQSKK

ClinVar aggregate classification (germline): Uncertain significance (1 of 4 stars; one submission).

gnomAD v4.1: 3 of 1,614,234 alleles (0.00019%); highest among the groups gnomAD compares: Non-Finnish European, 0.00017%; no homozygotes.

Submission:

Ambry Genetics
Classification: Uncertain significance. Last evaluated: 2022-09-03. Review status: criteria provided, single submitter. Criteria: Ambry Variant Classification Scheme 2023. Collection method: clinical testing. Allele origin: germline.
Comment: The p.D536G variant (also known as c.1607A>G), located in coding exon 10 of the GALNT12 gene, results from an A to G substitution at nucleotide position 1607. The aspartic acid at codon 536 is replaced by glycine, an amino acid with similar properties. This amino acid position is conserved. In addition, this alteration is predicted to be tolerated by in silico analysis. Since supporting evidence is limited at this time, the clinical significance of this alteration remains unclear.